The following is an entry in ClinVar:

ClinVar aggregate classification (germline): Uncertain significance (1 of 4 stars; one submission).

Allele frequency attached by ClinVar (database versions not stated): ExAC 0.00001.
gnomAD v4.1: 41 of 1,613,934 alleles (0.0025%); highest among the groups gnomAD compares: Non-Finnish European, 0.0035%; no homozygotes.

Submission:

Labcorp Genetics (formerly Invitae), Labcorp
Classification: Uncertain significance. Last evaluated: 2022-09-09. Review status: criteria provided, single submitter. Criteria: Invitae Variant Classification Sherloc (09022015). Collection method: clinical testing. Allele origin: germline.
Comment: In summary, the available evidence is currently insufficient to determine the role of this variant in disease. Therefore, it has been classified as a Variant of Uncertain Significance. Advanced modeling of protein sequence and biophysical properties (such as structural, functional, and spatial information, amino acid conservation, physicochemical variation, residue mobility, and thermodynamic stability) performed at Invitae indicates that this missense variant is not expected to disrupt LRP5 protein function. This variant has not been reported in the literature in individuals affected with LRP5-related conditions. This variant is present in population databases (rs772918826, gnomAD 0.0009%). This sequence change replaces glutamine, which is neutral and polar, with arginine, which is basic and polar, at codon 1354 of the LRP5 protein (p.Gln1354Arg).

NM_002335.4(LRP5):c.4061A>G (p.Gln1354Arg)

Gene: LRP5 (LDL receptor related protein 5; plus strand). Cytogenetic location: 11q13.2.
Variant type: single nucleotide variant.
Coding change: c.4061A>G on transcript NM_002335.4 (MANE Select); coding-DNA position 4061, A replaced by G.
Protein change: p.Gln1354Arg; replaces glutamine 1354 with arginine.
Molecular consequence: missense variant.
Genome position (GRCh38, 1-based): chr11:68,436,949, A>G. VCF-style: chr11-68436949-A-G. GRCh37 (hg19) VCF-style: chr11-68204417-A-G.
Other names: c.2318A>G, p.Gln773Arg (NM_001291902.2); short protein forms Q1354R, Q773R.
Identifiers: ClinVar variation 1922486 (VCV001922486.5), dbSNP rs772918826, ClinGen allele CA6150218.
Genomic context (GRCh38, chr11:68,436,949, plus strand): 5'-CCATCTGCCTGCCCAACCAGTTCCGGTGTGCGAGCGGCCAGTGTGTCCTCATCAAACAGC[A>G]GTGCGACTCCTTCCCCGACTGTATCGACGGCTCCGACGAGCTCATGTGTGGTGAGCCAGC-3'
Protein context (NP_002326.2, residues 1344-1364): ASGQCVLIKQ[Gln1354Arg]CDSFPDCIDG